The following is an entry in ClinVar:

NM_022168.4(IFIH1):c.2196T>A (p.Tyr732Ter)

Gene: IFIH1 (interferon induced with helicase C domain 1; minus strand). Cytogenetic location: 2q24.2.
Variant type: single nucleotide variant.
Coding change: c.2196T>A on transcript NM_022168.4 (MANE Select); coding-DNA position 2196, T replaced by A.
Protein change: p.Tyr732Ter; replaces tyrosine 732 with a stop codon.
Molecular consequence: nonsense.
Genome position (GRCh38, 1-based): chr2:162,276,795, A>T on the plus strand (T>A on the coding strand, the complement: IFIH1 is on the minus strand). VCF-style: chr2-162276795-A-T. GRCh37 (hg19) VCF-style: chr2-163133305-A-T.
Other names: short protein forms Y732*.
Identifiers: ClinVar variation 2055868 (VCV002055868.4), dbSNP rs147175706, ClinGen allele CA1934270.

ClinVar aggregate classification (germline): Uncertain significance (1 of 4 stars; one submission).

Conditions:
Aicardi-Goutieres syndrome 7 (AGS7). Identifiers: Orphanet 51, MedGen C3888244, MONDO:0014367, OMIM 615846.
Singleton-Merten syndrome 1 (SGMRT1). Also called: Widened medullary cavities of bone, aortic calcification, abnormal dentition, and muscular weakness; Syndrome of widened medullary cavities of the metacarpals and phalanges, aortic calcification and abnormal dentition. Identifiers: Orphanet 85191, MedGen C4225427, MONDO:0024535, OMIM 182250.

Submission:

Labcorp Genetics (formerly Invitae), Labcorp
Classification: Uncertain significance for Aicardi-Goutieres syndrome 7; Singleton-Merten syndrome 1. Last evaluated: 2023-10-17. Review status: criteria provided, single submitter. Criteria: Invitae Variant Classification Sherloc (09022015). Collection method: clinical testing. Allele origin: germline.
Comment: This sequence change creates a premature translational stop signal (p.Tyr732*) in the IFIH1 gene. It is expected to result in an absent or disrupted protein product. However, the current clinical and genetic evidence is not sufficient to establish whether loss-of-function variants in IFIH1 cause disease. This variant is present in population databases (rs147175706, gnomAD 0.002%). This variant has not been reported in the literature in individuals affected with IFIH1-related conditions. ClinVar contains an entry for this variant (Variation ID: 2055868). In summary, the available evidence is currently insufficient to determine the role of this variant in disease. Therefore, it has been classified as a Variant of Uncertain Significance.